The following is an entry in ClinVar:

ClinVar aggregate classification (germline): Uncertain significance. Review status: criteria provided, multiple submitters, no conflicts (2 of 4 stars). 2 submissions from 2 submitters: Uncertain significance (2). Last evaluated 2026-02-25.

Conditions:
NEUROD1-related disorder. Also called: NEUROD1-related condition.

Submissions (2):

GeneDx
Classification: Uncertain significance. Last evaluated: 2026-02-25. Review status: criteria provided, single submitter. Criteria: GeneDx Variant Classification Process June 2021. Collection method: clinical testing. Allele origin: germline.
Comment: Not observed at significant frequency in large population cohorts (gnomAD); In silico analysis suggests that this missense variant does not alter protein structure/function; Has not been previously published as pathogenic or benign to our knowledge

PreventionGenetics, part of Exact Sciences
Classification: Uncertain significance for NEUROD1-related condition. Last evaluated: 2024-11-12. Review status: criteria provided, single submitter. Criteria: ACMG Guidelines, 2015. Collection method: clinical testing. Allele origin: germline.
Comment: The NEUROD1 c.109G>A variant is predicted to result in the amino acid substitution p.Asp37Asn. To our knowledge, this variant has not been reported in the literature or in a large population database (gnomAD), indicating this variant is rare. At this time, the clinical significance of this variant is uncertain due to the absence of conclusive functional and genetic evidence.

NM_002500.5(NEUROD1):c.109G>A (p.Asp37Asn)

Gene: NEUROD1 (neuronal differentiation 1; minus strand). Cytogenetic location: 2q31.3.
Variant type: single nucleotide variant.
Coding change: c.109G>A on transcript NM_002500.5 (MANE Select); coding-DNA position 109, G replaced by A.
Protein change: p.Asp37Asn; replaces aspartic acid 37 with asparagine.
Molecular consequence: missense variant.
Genome position (GRCh38, 1-based): chr2:181,678,752, C>T on the plus strand (G>A on the coding strand, the complement: NEUROD1 is on the minus strand). VCF-style: chr2-181678752-C-T. GRCh37 (hg19) VCF-style: chr2-182543479-C-T.
Other names: c.109G>A (NM_002500.4); short protein forms D37N.
Identifiers: ClinVar variation 4975056 (VCV004975056.2).